The following is an entry in ClinVar:

NM_007347.5(AP4E1):c.222+154C>T

Gene: AP4E1 (adaptor related protein complex 4 subunit epsilon 1; plus strand). Cytogenetic location: 15q21.2.
Variant type: single nucleotide variant.
Coding change: c.222+154C>T on transcript NM_007347.5 (MANE Select); 154 bases into the intron after coding-DNA position 222, C replaced by T.
Molecular consequence: intron variant.
Genome position (GRCh38, 1-based): chr15:50,912,303, C>T. VCF-style: chr15-50912303-C-T. GRCh37 (hg19) VCF-style: chr15-51204500-C-T.
Other names: c.-27+154C>T (NM_001252127.2).
Identifiers: ClinVar variation 1693410 (VCV001693410.2), dbSNP rs28544375, ClinGen allele CA270499424.

ClinVar aggregate classification (germline): Likely benign (1 of 4 stars; one submission).

Allele frequency attached by ClinVar (database versions not stated): 1000 Genomes Project 0.00439; gnomAD 0.00507 and 0.00544; 1000 Genomes Project 30x 0.00515; TOPMed 0.00521.
gnomAD v4.1: 761 of 152,252 alleles (0.5%); highest among the groups gnomAD compares: African/African-American, 1.8%; 11 homozygotes.

Submission:

GeneDx
Classification: Likely benign. Last evaluated: 2021-12-28. Review status: criteria provided, single submitter. Criteria: GeneDx Variant Classification Process June 2021. Collection method: clinical testing. Allele origin: germline. Affected: yes.
Comment: See Variant Classification Assertion Criteria.